The following is an entry in ClinVar:

ClinVar aggregate classification (germline): Uncertain significance (1 of 4 stars; one submission).

Allele frequency attached by ClinVar (database versions not stated): gnomAD exomes below 0.00001; gnomAD 0.00001; TOPMed 0.00002.
gnomAD v4.1: 5 of 1,601,996 alleles (0.00031%); highest among the groups gnomAD compares: African/African-American, 0.004%; no homozygotes.

Submission:

Labcorp Genetics (formerly Invitae), Labcorp
Classification: Uncertain significance. Last evaluated: 2024-02-17. Review status: criteria provided, single submitter. Criteria: Invitae Variant Classification Sherloc (09022015). Collection method: clinical testing. Allele origin: germline.
Comment: This sequence change replaces proline, which is neutral and non-polar, with serine, which is neutral and polar, at codon 206 of the MCM4 protein (p.Pro206Ser). This variant is present in population databases (no rsID available, gnomAD 0.004%). This variant has not been reported in the literature in individuals affected with MCM4-related conditions. ClinVar contains an entry for this variant (Variation ID: 1506481). Advanced modeling of protein sequence and biophysical properties (such as structural, functional, and spatial information, amino acid conservation, physicochemical variation, residue mobility, and thermodynamic stability) performed at Invitae indicates that this missense variant is not expected to disrupt MCM4 protein function with a negative predictive value of 80%. In summary, the available evidence is currently insufficient to determine the role of this variant in disease. Therefore, it has been classified as a Variant of Uncertain Significance.

NM_182746.3(MCM4):c.616C>T (p.Pro206Ser)

Gene: MCM4 (minichromosome maintenance complex component 4; plus strand). Cytogenetic location: 8q11.21.
Variant type: single nucleotide variant.
Coding change: c.616C>T on transcript NM_182746.3 (MANE Select); coding-DNA position 616, C replaced by T.
Protein change: p.Pro206Ser; replaces proline 206 with serine.
Molecular consequence: missense variant.
Genome position (GRCh38, 1-based): chr8:47,962,963, C>T. VCF-style: chr8-47962963-C-T. GRCh37 (hg19) VCF-style: chr8-48875523-C-T.
Other names: c.616C>T, p.Pro206Ser (NM_005914.4); short protein forms P206S.
Identifiers: ClinVar variation 1506481 (VCV001506481.7), dbSNP rs1399024384, ClinGen allele CA371146620.